The following is an entry in ClinVar:

ClinVar aggregate classification (germline): Benign/Likely benign. Review status: criteria provided, multiple submitters, no conflicts (2 of 4 stars). 9 submissions from 8 submitters: Benign (6); Likely benign (2). 1 of the submissions does not count toward it. Last evaluated 2026-02-01.

Conditions:
Usher syndrome type 1 (USH1). Also called: RETINITIS PIGMENTOSA AND CONGENITAL DEAFNESS. Identifiers: Orphanet 231169, Orphanet 886, MedGen C1568247, MONDO:0010168, OMIM 276900.
Usher syndrome type 1D (USH1D). Also called: USHER SYNDROME, TYPE ID. Identifiers: Orphanet 231169, Orphanet 886, MedGen C1832845, MONDO:0010984, OMIM 601067.
Autosomal recessive nonsyndromic hearing loss 12. Also called: DEAFNESS, AUTOSOMAL RECESSIVE 12. Identifiers: Orphanet 90636, MedGen C1832394, MONDO:0011067, OMIM 601386.

Allele frequency attached by ClinVar (database versions not stated): gnomAD exomes 0.00196 and 0.00410; ExAC 0.00465; 1000 Genomes Project 0.01378; 1000 Genomes Project 30x 0.01452; gnomAD 0.01475 and 0.01600; TOPMed 0.01640; ESP Exome Variant Server 0.01671.
gnomAD v4.1: 5,201 of 1,613,938 alleles (0.32%); highest among the groups gnomAD compares: African/African-American, 5.1%; 110 homozygotes.

Submissions (9):

Labcorp Genetics (formerly Invitae), Labcorp
Classification: Benign. Last evaluated: 2026-02-01. Review status: criteria provided, single submitter. Criteria: Invitae Variant Classification Sherloc (09022015). Collection method: clinical testing. Allele origin: germline.

Mayo Clinic Laboratories, Mayo Clinic
Classification: Benign. Last evaluated: 2024-04-18. Review status: criteria provided, single submitter. Criteria: ACMG Guidelines, 2015. Collection method: clinical testing. Allele origin: germline. Observed: 2 variant alleles.

ARUP Laboratories, Molecular Genetics and Genomics, ARUP Laboratories
Classification: Benign. Last evaluated: 2023-09-22. Review status: criteria provided, single submitter. Criteria: ARUP Molecular Germline Variant Investigation Process 2024. Collection method: clinical testing. Allele origin: germline.

Illumina Laboratory Services, Illumina
Classification: Benign for Usher syndrome type 1D. Last evaluated: 2018-01-13. Review status: criteria provided, single submitter. Criteria: ICSL Variant Classification Criteria 13 December 2019. Collection method: clinical testing. Allele origin: germline.
Comment: This variant was observed in the ICSL laboratory as part of a predisposition screen in an ostensibly healthy population. It had not been previously curated by ICSL or reported in the Human Gene Mutation Database (HGMD: prior to June 1st, 2018), and was therefore a candidate for classification through an automated scoring system. Utilizing variant allele frequency, disease prevalence and penetrance estimates, and inheritance mode, an automated score was calculated to assess if this variant is too frequent to cause the disease. Based on the score and internal cut-off values, a variant classified as benign is not then subjected to further curation. The score for this variant resulted in a classification of benign for this disease.

Illumina Laboratory Services, Illumina
Classification: Likely benign for Autosomal recessive nonsyndromic hearing loss 12. Last evaluated: 2018-01-13. Review status: criteria provided, single submitter. Criteria: ICSL Variant Classification Criteria 13 December 2019. Collection method: clinical testing. Allele origin: germline.
Comment: This variant was observed in the ICSL laboratory as part of a predisposition screen in an ostensibly healthy population. It had not been previously curated by ICSL or reported in the Human Gene Mutation Database (HGMD: prior to June 1st, 2018), and was therefore a candidate for classification through an automated scoring system. Utilizing variant allele frequency, disease prevalence and penetrance estimates, and inheritance mode, an automated score was calculated to assess if this variant is too frequent to cause the disease. Based on the score and internal cut-off values, a variant classified as likely benign is not then subjected to further curation. The score for this variant resulted in a classification of likely benign for this disease.

GeneDx
Classification: Benign. Last evaluated: 2016-04-11. Review status: criteria provided, single submitter. Criteria: GeneDx Variant Classification (06012015). Collection method: clinical testing. Allele origin: germline. Affected: yes.
Comment: This variant is considered likely benign or benign based on one or more of the following criteria: it is a conservative change, it occurs at a poorly conserved position in the protein, it is predicted to be benign by multiple in silico algorithms, and/or has population frequency not consistent with disease.

Laboratory for Molecular Medicine, Mass General Brigham Personalized Medicine
Classification: Benign. Last evaluated: 2012-04-27. Review status: criteria provided, single submitter. Criteria: LMM Criteria. Collection method: clinical testing. Allele origin: germline. Observed: 19 variant alleles.
Comment: 4210-7C>T in intron 34 of CDH23: This variant is not expected to have clinical s ignificance because it has been identified in 4.5% (160/3562) of African America n chromosomes from a broad population by the NHLBI Exome sequencing project (dbSNP rs79271090).

Breakthrough Genomics
Classification: Likely benign. Review status: criteria provided, single submitter. Criteria: ACMG Guidelines, 2015. Collection method: not provided. Allele origin: germline. Inheritance: Autosomal recessive inheritance. Affected: yes.

Natera, Inc.
Classification: Benign for Usher syndrome type 1. Last evaluated: 2020-09-16. Review status: no assertion criteria provided. Collection method: clinical testing. Allele origin: germline. Not counted in ClinVar's aggregate classification.

NM_022124.6(CDH23):c.4210-7C>T

Gene: CDH23 (cadherin related 23; plus strand). Cytogenetic location: 10q22.1.
Variant type: single nucleotide variant.
Coding change: c.4210-7C>T on transcript NM_022124.6 (MANE Select); 7 bases into the intron before coding-DNA position 4210, C replaced by T.
Molecular consequence: intron variant.
Genome position (GRCh38, 1-based): chr10:71,738,491, C>T. VCF-style: chr10-71738491-C-T. GRCh37 (hg19) VCF-style: chr10-73498248-C-T.
Other names: p.?.
Identifiers: ClinVar variation 45939 (VCV000045939.30), dbSNP rs79271090, ClinGen allele CA137419.